The following is an entry in ClinVar:

ClinVar aggregate classification (germline): Uncertain significance (1 of 4 stars; one submission).

Allele frequency attached by ClinVar (database versions not stated): TOPMed below 0.00001; gnomAD exomes 0.00001 and 0.00002; ExAC 0.00003.
gnomAD v4.1: 5 of 1,612,298 alleles (0.00031%); highest among the groups gnomAD compares: Admixed American, 0.0083%; no homozygotes.

Submission:

Labcorp Genetics (formerly Invitae), Labcorp
Classification: Uncertain significance. Last evaluated: 2022-07-19. Review status: criteria provided, single submitter. Criteria: Invitae Variant Classification Sherloc (09022015). Collection method: clinical testing. Allele origin: germline.
Comment: ClinVar contains an entry for this variant (Variation ID: 1475484). In summary, the available evidence is currently insufficient to determine the role of this variant in disease. Therefore, it has been classified as a Variant of Uncertain Significance. Algorithms developed to predict the effect of missense changes on protein structure and function are either unavailable or do not agree on the potential impact of this missense change (SIFT: "Not Available"; PolyPhen-2: "Benign"; Align-GVGD: "Not Available"). This variant has not been reported in the literature in individuals affected with USH1G-related conditions. This variant is present in population databases (rs774246535, gnomAD 0.01%). This sequence change replaces serine, which is neutral and polar, with threonine, which is neutral and polar, at codon 282 of the USH1G protein (p.Ser282Thr).

NM_173477.5(USH1G):c.845G>C (p.Ser282Thr)

Gene: USH1G (USH1 protein network component sans; minus strand). Cytogenetic location: 17q25.1.
Variant type: single nucleotide variant.
Coding change: c.845G>C on transcript NM_173477.5 (MANE Select); coding-DNA position 845, G replaced by C.
Protein change: p.Ser282Thr; replaces serine 282 with threonine.
Molecular consequence: missense variant.
Genome position (GRCh38, 1-based): chr17:74,919,991, C>G on the plus strand (G>C on the coding strand, the complement: USH1G is on the minus strand). VCF-style: chr17-74919991-C-G. GRCh37 (hg19) VCF-style: chr17-72916086-C-G.
Other names: c.536G>C, p.Ser179Thr (NM_001282489.3); short protein forms S179T, S282T.
Identifiers: ClinVar variation 1475484 (VCV001475484.6), dbSNP rs774246535, ClinGen allele CA8753987.